The following is an entry in ClinVar:

ClinVar aggregate classification (germline): Conflicting classifications of pathogenicity. Review status: criteria provided, conflicting classifications (1 of 4 stars). 2 submissions from 2 submitters: Uncertain significance (1); Likely benign (1). Last evaluated 2025-05-30.

Conditions:
Hereditary cancer-predisposing syndrome. Also called: Neoplastic Syndromes, Hereditary; Tumor predisposition; Hereditary neoplastic syndrome; Hereditary Cancer Syndrome. Identifiers: Orphanet 140162, MedGen C0027672, MeSH D009386, MONDO:0015356.

Submissions (2):

Color Diagnostics, LLC DBA Color Health
Classification: Likely benign for Hereditary cancer-predisposing syndrome. Last evaluated: 2025-05-30. Review status: criteria provided, single submitter. Criteria: ACMG Guidelines, 2015. Collection method: clinical testing. Allele origin: germline.

Ambry Genetics
Classification: Uncertain significance for Hereditary cancer-predisposing syndrome. Last evaluated: 2024-03-06. Review status: criteria provided, single submitter. Criteria: Ambry Variant Classification Scheme 2023. Collection method: clinical testing. Allele origin: germline.
Comment: The c.1324-6_1324-3delCTCC intronic variant, located in intron 13 of the MUTYH gene, results from a deletion of 4 nucleotides within intron 13 of the MUTYH gene. These nucleotide positions are not well conserved in available vertebrate species. In silico splice site analysis for this alteration is inconclusive; however, direct evidence is insufficient at this time (Ambry internal data). Based on the available evidence, the clinical significance of this alteration remains unclear.

NM_001048174.2(MUTYH):c.1240-6_1240-3del

Gene: MUTYH (mutY DNA glycosylase; minus strand). Cytogenetic location: 1p34.1.
Variant type: Deletion.
Coding change: c.1240-6_1240-3del on transcript NM_001048174.2 (MANE Select); 6 bases into the intron before coding-DNA position 1240 through 3 bases into the intron before coding-DNA position 1240, 4 bases deleted (CTCC; older notation c.1240-6_1240-3delCTCC).
Molecular consequence: intron variant.
Genome position (GRCh38, 1-based): chr1:45,331,337-45,331,340, GGAG deleted on the plus strand (CTCC on the coding strand, the reverse complement: MUTYH is on the minus strand); deleting any 4 consecutive bases within chr1:45,331,337-45,331,341 gives the same sequence; the c. name uses the placement nearest the transcript's 3' end. VCF-style (leftmost placement, unchanged base first): chr1-45331336-TGGAG-T. GRCh37 (hg19) VCF-style: chr1-45797008-TGGAG-T.
Other names: c.1240-6_1240-3del (NM_001407072.1, NM_001407073.1, NM_001048171.2 and 6 more transcripts); c.895-6_895-3del (NM_001350651.2, NM_001350650.2, NM_001407082.1); c.964-6_964-3del (NM_001293192.2, NM_001293196.2, NM_001407091.1); c.1285-6_1285-3del (NM_001293190.2); c.1273-6_1273-3del (NM_001407069.1, NM_001407077.1, NM_001293191.2); c.1315-6_1315-3del (NM_012222.3); c.1324-6_1324-3del (NM_001128425.2); c.1243-6_1243-3del (NM_001407071.1, NM_001048172.2, NM_001407078.1 and 1 more transcripts); and 5 more.
Identifiers: ClinVar variation 3233021 (VCV003233021.2), dbSNP rs755222145, ClinGen allele CA056128.